The following is an entry in ClinVar:

ClinVar aggregate classification (germline): Likely benign (1 of 4 stars; one submission).

Allele frequency attached by ClinVar (database versions not stated): TOPMed 0.00006; ESP Exome Variant Server 0.00008; 1000 Genomes Project 30x 0.00016.
gnomAD v4.1: 17 of 1,614,226 alleles (0.0011%); highest among the groups gnomAD compares: African/African-American, 0.011%; no homozygotes.

Submission:

CeGaT Center for Human Genetics Tuebingen
Classification: Likely benign. Last evaluated: 2023-11-01. Review status: criteria provided, single submitter. Criteria: CeGaT Center For Human Genetics Tuebingen Variant Classification Criteria Version 2. Collection method: clinical testing. Allele origin: germline. Affected: yes. Observed: 1 variant allele.
Comment: DCAF8: BP4

NM_015726.4(DCAF8):c.373C>T (p.Arg125Cys)

Gene: DCAF8 (DDB1 and CUL4 associated factor 8; minus strand). Cytogenetic location: 1q23.2.
Variant type: single nucleotide variant.
Coding change: c.373C>T on transcript NM_015726.4 (MANE Select); coding-DNA position 373, C replaced by T.
Protein change: p.Arg125Cys; replaces arginine 125 with cysteine.
Molecular consequence: missense variant. On other transcripts: non-coding transcript variant (4).
Genome position (GRCh38, 1-based): chr1:160,240,047, G>A on the plus strand (C>T on the coding strand, the complement: DCAF8 is on the minus strand). VCF-style: chr1-160240047-G-A. GRCh37 (hg19) VCF-style: chr1-160209837-G-A.
Other names: short protein forms R125C.
Identifiers: ClinVar variation 2672364 (VCV002672364.23), dbSNP rs186360966, ClinGen allele CA1196964.